The following is an entry in ClinVar:

ClinVar aggregate classification (germline): Uncertain significance (1 of 4 stars; one submission).

Conditions:
Primary ciliary dyskinesia. Also called: Ciliary dyskinesia. Identifiers: Orphanet 244, MedGen C0008780, MONDO:0016575, HP:0012265.

Submission:

Labcorp Genetics (formerly Invitae), Labcorp
Classification: Uncertain significance for Primary ciliary dyskinesia. Last evaluated: 2022-05-27. Review status: criteria provided, single submitter. Criteria: Invitae Variant Classification Sherloc (09022015). Collection method: clinical testing. Allele origin: germline.
Comment: In summary, the available evidence is currently insufficient to determine the role of this variant in disease. Therefore, it has been classified as a Variant of Uncertain Significance. Algorithms developed to predict the effect of missense changes on protein structure and function are either unavailable or do not agree on the potential impact of this missense change (SIFT: "Deleterious"; PolyPhen-2: "Possibly Damaging"; Align-GVGD: "Class C0"). This variant has not been reported in the literature in individuals affected with RSPH9-related conditions. This variant is not present in population databases (gnomAD no frequency). This sequence change replaces arginine, which is basic and polar, with glycine, which is neutral and non-polar, at codon 40 of the RSPH9 protein (p.Arg40Gly).

NM_152732.5(RSPH9):c.118C>G (p.Arg40Gly)

Gene: RSPH9 (radial spoke head component 9; plus strand). Cytogenetic location: 6p21.1.
Variant type: single nucleotide variant.
Coding change: c.118C>G on transcript NM_152732.5 (MANE Select); coding-DNA position 118, C replaced by G.
Protein change: p.Arg40Gly; replaces arginine 40 with glycine.
Molecular consequence: missense variant. On other transcripts: non-coding transcript variant (2).
Genome position (GRCh38, 1-based): chr6:43,645,216, C>G. VCF-style: chr6-43645216-C-G. GRCh37 (hg19) VCF-style: chr6-43612953-C-G.
Other names: c.118C>G, p.Arg40Gly (NM_001193341.2, NM_001424119.1, NM_001424120.1 and 1 more transcripts); short protein forms R40G.
Identifiers: ClinVar variation 1999409 (VCV001999409.4), dbSNP rs937089073, ClinGen allele CA364287236.
Genomic context (GRCh38, chr6:43,645,216, plus strand): 5'-CTCAGCCCGGACCGTCGGGCCTCGCTGCTCACGTCTCTTATGCTGGTTAAGCGCGACTAC[C>G]GCTATGATCGGGTTCTCTTCTGGGGCCGCATCCTTGGCCTCGTCGCCGATTACTACATCG-3'
Protein context (NP_689945.2, residues 30-50): TSLMLVKRDY[Arg40Gly]YDRVLFWGRI